The following is an entry in ClinVar:

ClinVar aggregate classification (germline): Conflicting classifications of pathogenicity. Review status: criteria provided, conflicting classifications (1 of 4 stars). 11 submissions from 11 submitters: Uncertain significance (8); Likely benign (2). 1 of the submissions does not count toward it. Last evaluated 2026-03-24.

Conditions:
ATP7B-related disorder. Also called: ATP7B-related condition.
Wilson disease (WND). Also called: Wilson's disease. Identifiers: Orphanet 905, MedGen C0019202, MONDO:0010200, OMIM 277900. Disease mechanism: loss of function.

Allele frequency attached by ClinVar (database versions not stated): gnomAD exomes 0.00012 and 0.00024; ExAC 0.00017; gnomAD 0.00017 and 0.00018; TOPMed 0.00017.
gnomAD v4.1: 210 of 1,613,992 alleles (0.013%); highest among the groups gnomAD compares: Middle Eastern, 0.082%; 1 homozygote.

Submissions (11):

PreventionGenetics, part of Exact Sciences
Classification: Likely benign for ATP7B-related condition. Last evaluated: 2026-03-24. Review status: criteria provided, single submitter. Criteria: ACMG Guidelines, 2015. Collection method: clinical testing. Allele origin: germline.
Comment: This variant is classified as likely benign based on ACMG/AMP sequence variant interpretation guidelines (Richards et al. 2015 PMID: 25741868, with internal and published modifications).

Labcorp Genetics (formerly Invitae), Labcorp
Classification: Likely benign for Wilson disease. Last evaluated: 2026-01-27. Review status: criteria provided, single submitter. Criteria: Invitae Variant Classification Sherloc (09022015). Collection method: clinical testing. Allele origin: germline.

GeneDx
Classification: Uncertain significance. Last evaluated: 2025-07-14. Review status: criteria provided, single submitter. Criteria: GeneDx Variant Classification Process June 2021. Collection method: clinical testing. Allele origin: germline. Affected: yes.
Comment: In silico analysis supports that this missense variant has a deleterious effect on protein structure/function; Has not been previously published as pathogenic or benign to our knowledge

Color Diagnostics, LLC DBA Color Health
Classification: Uncertain significance for Wilson disease. Last evaluated: 2025-06-05. Review status: criteria provided, single submitter. Criteria: ACMG Guidelines, 2015. Collection method: clinical testing. Allele origin: germline.
Comment: This missense variant replaces proline with arginine at codon 1141 of the ATP7B protein. Computational prediction suggests that this variant may not impact protein structure and function. To our knowledge, functional studies have not been reported for this variant. This variant has not been reported in individuals affected with Wilson disease in the literature. This variant has been identified in 65/280956 chromosomes in the general population by the Genome Aggregation Database (gnomAD). The available evidence is insufficient to determine the role of this variant in disease conclusively. Therefore, this variant is classified as a Variant of Uncertain Significance.

All of Us Research Program, National Institutes of Health
Classification: Uncertain significance for Wilson disease. Last evaluated: 2024-09-23. Review status: criteria provided, single submitter. Criteria: ACMG Guidelines, 2015. Collection method: clinical testing. Allele origin: germline. Inheritance: Autosomal recessive inheritance. Observed: 88 variant alleles, 88 heterozygotes.
Comment: This missense variant replaces proline with arginine at codon 1141 of the ATP7B protein. Computational prediction suggests that this variant may not impact protein structure and function (internally defined REVEL score threshold <= 0.5, PMID: 27666373). To our knowledge, functional studies have not been reported for this variant. This variant has not been reported in individuals affected with Wilson disease in the literature. This variant has been identified in 65/280956 chromosomes in the general population by the Genome Aggregation Database (gnomAD). The available evidence is insufficient to determine the role of this variant in disease conclusively. Therefore, this variant is classified as a Variant of Uncertain Significance.

This study involves interpretation of variants in research participants for the purpose of population health screening. Participant phenotype was not available at the time of variant classification. Additional details can be found in publication PMID: 35346344, PMCID: PMC8962531

Mayo Clinic Laboratories, Mayo Clinic
Classification: Uncertain significance. Last evaluated: 2024-07-09. Review status: criteria provided, single submitter. Criteria: ACMG Guidelines, 2015. Collection method: clinical testing. Allele origin: germline. Observed: 1 variant allele.
Comment: BS1

Genome-Nilou Lab
Classification: Uncertain significance for Wilson disease. Last evaluated: 2021-08-10. Review status: criteria provided, single submitter. Criteria: ACMG Guidelines, 2015. Collection method: clinical testing. Allele origin: germline. Affected: no.

Baylor Genetics
Classification: Uncertain significance for Wilson disease. Last evaluated: 2020-12-11. Review status: criteria provided, single submitter. Criteria: ACMG Guidelines, 2015. Collection method: clinical testing. Allele origin: unknown. Affected: yes.
Comment: This variant was determined to be of uncertain significance according to ACMG Guidelines, 2015 [PMID:25741868].

Women's Health and Genetics/Laboratory Corporation of America, LabCorp
Classification: Uncertain significance. Last evaluated: 2019-07-22. Review status: criteria provided, single submitter. Criteria: LabCorp Variant Classification Summary - May 2015. Collection method: clinical testing. Allele origin: germline.
Comment: Variant summary: ATP7B c.3422C>G (p.Pro1141Arg) results in a non-conservative amino acid change in the encoded protein sequence. Four of five in-silico tools predict a damaging effect of the variant on protein function. The variant allele was found at a frequency of 0.00023 in 280956 control chromosomes, predominantly at a frequency of 0.0054 (55/10362) within the Ashkenazi Jewish subpopulation in the gnomAD database. This frequency is similar to the maximum expected allele frequency for a pathogenic variant in ATP7B causing Wilson Disease (0.0054). To our knowledge, no occurrence of c.3422C>G in individuals affected with Wilson Disease and no experimental evidence demonstrating its impact on protein function have been reported. One other clinical diagnostic laboratory has submitted clinical-significance assessments for this variant to ClinVar after 2014 without evidence for independent evaluation, and classified the variant as uncertain significance. Based on the evidence outlined above, the variant was classified as uncertain significance.

Illumina Laboratory Services, Illumina
Classification: Uncertain significance for Wilson disease. Last evaluated: 2018-01-12. Review status: criteria provided, single submitter. Criteria: ICSL Variant Classification Criteria 13 December 2019. Collection method: clinical testing. Allele origin: germline.

Natera, Inc.
Classification: Uncertain significance for Wilson disease. Last evaluated: 2020-04-15. Review status: no assertion criteria provided. Collection method: clinical testing. Allele origin: germline. Not counted in ClinVar's aggregate classification.

NM_000053.4(ATP7B):c.3422C>G (p.Pro1141Arg)

Gene: ATP7B (ATPase copper transporting beta; minus strand). Cytogenetic location: 13q14.3.
Variant type: single nucleotide variant.
Coding change: c.3422C>G on transcript NM_000053.4 (MANE Select); coding-DNA position 3422, C replaced by G.
Protein change: p.Pro1141Arg; replaces proline 1141 with arginine.
Molecular consequence: missense variant.
Genome position (GRCh38, 1-based): chr13:51,941,215, G>C on the plus strand (C>G on the coding strand, the complement: ATP7B is on the minus strand). VCF-style: chr13-51941215-G-C. GRCh37 (hg19) VCF-style: chr13-52515351-G-C.
Other names: p.Pro1141Arg; c.2801C>G, p.Pro934Arg (NM_001005918.3); c.3089C>G, p.Pro1030Arg (NM_001243182.2); c.3188C>G, p.Pro1063Arg (NM_001330578.2); c.3170C>G, p.Pro1057Arg (NM_001330579.2); short protein forms P1141R, P1030R, P1057R, P934R, P1063R.
Identifiers: ClinVar variation 312380 (VCV000312380.28), dbSNP rs757549770, ClinGen allele CA6988687.